The following is an entry in ClinVar:

NM_000027.4(AGA):c.523C>T (p.Pro175Ser)

Gene: AGA (aspartylglucosaminidase; minus strand). Cytogenetic location: 4q34.3.
Variant type: single nucleotide variant.
Coding change: c.523C>T on transcript NM_000027.4 (MANE Select); coding-DNA position 523, C replaced by T.
Protein change: p.Pro175Ser; replaces proline 175 with serine.
Molecular consequence: missense variant. On other transcripts: non-coding transcript variant (1).
Genome position (GRCh38, 1-based): chr4:177,437,504, G>A on the plus strand (C>T on the coding strand, the complement: AGA is on the minus strand). VCF-style: chr4-177437504-G-A. GRCh37 (hg19) VCF-style: chr4-178358658-G-A.
Other names: c.523C>T, p.Pro175Ser (NM_001171988.2); short protein forms P175S.
Identifiers: ClinVar variation 855116 (VCV000855116.7), dbSNP rs367968495, ClinGen allele CA3146893.

ClinVar aggregate classification (germline): Uncertain significance. Review status: criteria provided, single submitter (1 of 4 stars). 2 submissions from 2 submitters: Uncertain significance (1). 1 of the submissions does not count toward it. Last evaluated 2022-04-17.

Conditions:
Aspartylglucosaminuria (AGU). Also called: AGA DEFICIENCY; Aspartylglucos-aminuria; Aspartylglucos-amidase (AGA) deficiency; GLYCOASPARAGINASE; GLYCOSYLASPARAGINASE DEFICIENCY. Identifiers: Orphanet 93, MedGen C0268225, MONDO:0008830, OMIM 208400, HP:0012068.

Allele frequency attached by ClinVar (database versions not stated): ExAC 0.00002; gnomAD exomes 0.00002; TOPMed 0.00002; gnomAD 0.00005 and 0.00006; ESP Exome Variant Server 0.00008.
gnomAD v4.1: 36 of 1,606,592 alleles (0.0022%); highest among the groups gnomAD compares: Admixed American, 0.005%; no homozygotes.

Submissions (2):

Labcorp Genetics (formerly Invitae), Labcorp
Classification: Uncertain significance for Aspartylglucosaminuria. Last evaluated: 2022-04-17. Review status: criteria provided, single submitter. Criteria: Invitae Variant Classification Sherloc (09022015). Collection method: clinical testing. Allele origin: germline.
Comment: This sequence change replaces proline, which is neutral and non-polar, with serine, which is neutral and polar, at codon 175 of the AGA protein (p.Pro175Ser). This variant is present in population databases (rs367968495, gnomAD 0.004%). This variant has not been reported in the literature in individuals affected with AGA-related conditions. ClinVar contains an entry for this variant (Variation ID: 855116). Algorithms developed to predict the effect of missense changes on protein structure and function output the following: SIFT: "Tolerated"; PolyPhen-2: "Benign"; Align-GVGD: "Class C0". The serine amino acid residue is found in multiple mammalian species, which suggests that this missense change does not adversely affect protein function. In summary, the available evidence is currently insufficient to determine the role of this variant in disease. Therefore, it has been classified as a Variant of Uncertain Significance.

Natera, Inc.
Classification: Uncertain significance for Aspartylglucosaminuria. Last evaluated: 2020-09-16. Review status: no assertion criteria provided. Collection method: clinical testing. Allele origin: germline. Not counted in ClinVar's aggregate classification.